The following is an entry in ClinVar:

ClinVar aggregate classification (germline): Uncertain significance (1 of 4 stars; one submission).

Allele frequency attached by ClinVar (database versions not stated): gnomAD exomes below 0.00001; TOPMed 0.00001.
gnomAD v4.1: 6 of 1,581,908 alleles (0.00038%); highest among the groups gnomAD compares: Admixed American, 0.0018%; no homozygotes.

Submission:

Labcorp Genetics (formerly Invitae), Labcorp
Classification: Uncertain significance. Last evaluated: 2026-01-19. Review status: criteria provided, single submitter. Criteria: Invitae Variant Classification Sherloc (09022015). Collection method: clinical testing. Allele origin: germline.
Comment: This sequence change replaces histidine, which is basic and polar, with tyrosine, which is neutral and polar, at codon 1200 of the MYO18B protein (p.His1200Tyr). This variant is not present in population databases (gnomAD no frequency). This variant has not been reported in the literature in individuals affected with MYO18B-related conditions. ClinVar contains an entry for this variant (Variation ID: 1489868). An algorithm developed to predict the effect of missense changes on protein structure and function (PolyPhen-2) suggests that this variant is likely to be disruptive. In summary, the available evidence is currently insufficient to determine the role of this variant in disease. Therefore, it has been classified as a Variant of Uncertain Significance.

NM_032608.7(MYO18B):c.3598C>T (p.His1200Tyr)

Gene: MYO18B (myosin XVIIIB; plus strand). Cytogenetic location: 22q12.1.
Variant type: single nucleotide variant.
Coding change: c.3598C>T on transcript NM_032608.7 (MANE Select); coding-DNA position 3598, C replaced by T.
Protein change: p.His1200Tyr; replaces histidine 1200 with tyrosine.
Molecular consequence: missense variant.
Genome position (GRCh38, 1-based): chr22:25,847,475, C>T. VCF-style: chr22-25847475-C-T. GRCh37 (hg19) VCF-style: chr22-26243442-C-T.
Other names: c.3601C>T, p.His1201Tyr (NM_001318245.2); short protein forms H1200Y, H1201Y.
Identifiers: ClinVar variation 1489868 (VCV001489868.6), dbSNP rs777062075, ClinGen allele CA322775029.